The following is an entry in ClinVar:

NM_004655.4(AXIN2):c.712G>C (p.Asp238His)

Gene: AXIN2 (axin 2; minus strand). Cytogenetic location: 17q24.1.
Variant type: single nucleotide variant.
Coding change: c.712G>C on transcript NM_004655.4 (MANE Select); coding-DNA position 712, G replaced by C.
Protein change: p.Asp238His; replaces aspartic acid 238 with histidine.
Molecular consequence: missense variant.
Genome position (GRCh38, 1-based): chr17:65,557,909, C>G on the plus strand (G>C on the coding strand, the complement: AXIN2 is on the minus strand). VCF-style: chr17-65557909-C-G. GRCh37 (hg19) VCF-style: chr17-63554027-C-G.
Other names: c.712G>C, p.Asp238His (NM_001363813.1); short protein forms D238H.
Identifiers: ClinVar variation 3224411 (VCV003224411.1), dbSNP rs1279069233, ClinGen allele CA400680428.

ClinVar aggregate classification (germline): Uncertain significance (1 of 4 stars; one submission).

Conditions:
Hereditary cancer-predisposing syndrome. Also called: Tumor predisposition; Hereditary neoplastic syndrome; Hereditary Cancer Syndrome; Neoplastic Syndromes, Hereditary. Identifiers: Orphanet 140162, MedGen C0027672, MeSH D009386, MONDO:0015356.

Submission:

Ambry Genetics
Classification: Uncertain significance for Hereditary cancer-predisposing syndrome. Last evaluated: 2023-10-29. Review status: criteria provided, single submitter. Criteria: Ambry Variant Classification Scheme 2023. Collection method: clinical testing. Allele origin: germline.
Comment: The p.D238H variant (also known as c.712G>C), located in coding exon 1 of the AXIN2 gene, results from a G to C substitution at nucleotide position 712. The aspartic acid at codon 238 is replaced by histidine, an amino acid with similar properties. This amino acid position is conserved. In addition, this alteration is predicted to be deleterious by in silico analysis. Since supporting evidence is limited at this time, the clinical significance of this alteration remains unclear.